The following is an entry in ClinVar:

NM_001292034.3(TAB2):c.509A>G (p.Gln170Arg)

Gene: TAB2 (TGF-beta activated kinase 1 (MAP3K7) binding protein 2; plus strand). Cytogenetic location: 6q25.1.
Variant type: single nucleotide variant.
Coding change: c.509A>G on transcript NM_001292034.3 (MANE Select); coding-DNA position 509, A replaced by G.
Protein change: p.Gln170Arg; replaces glutamine 170 with arginine.
Molecular consequence: missense variant.
Genome position (GRCh38, 1-based): chr6:149,378,424, A>G. VCF-style: chr6-149378424-A-G. GRCh37 (hg19) VCF-style: chr6-149699560-A-G.
Other names: c.413A>G, p.Gln138Arg (NM_001292035.3); c.509A>G, p.Gln170Arg (NM_001369506.1, NM_015093.6); short protein forms Q170R, Q138R.
Identifiers: ClinVar variation 1396868 (VCV001396868.8), dbSNP rs749969260, ClinGen allele CA4041412.

ClinVar aggregate classification (germline): Uncertain significance (1 of 4 stars; one submission).

Allele frequency attached by ClinVar (database versions not stated): TOPMed below 0.00001; gnomAD 0.00001; gnomAD exomes 0.00001; ExAC 0.00002.
gnomAD v4.1: 7 of 1,614,088 alleles (0.00043%); highest among the groups gnomAD compares: Admixed American, 0.005%; no homozygotes.

Submission:

Labcorp Genetics (formerly Invitae), Labcorp
Classification: Uncertain significance. Last evaluated: 2022-03-03. Review status: criteria provided, single submitter. Criteria: Invitae Variant Classification Sherloc (09022015). Collection method: clinical testing. Allele origin: germline.
Comment: In summary, the available evidence is currently insufficient to determine the role of this variant in disease. Therefore, it has been classified as a Variant of Uncertain Significance. Algorithms developed to predict the effect of missense changes on protein structure and function (SIFT, PolyPhen-2, Align-GVGD) all suggest that this variant is likely to be tolerated. This variant has not been reported in the literature in individuals affected with TAB2-related conditions. This variant is present in population databases (rs749969260, gnomAD 0.006%). This sequence change replaces glutamine, which is neutral and polar, with arginine, which is basic and polar, at codon 170 of the TAB2 protein (p.Gln170Arg).